The following is an entry in ClinVar:

ClinVar aggregate classification (germline): Uncertain significance (1 of 4 stars; one submission).

Submission:

GeneDx
Classification: Uncertain significance. Last evaluated: 2026-08-22. Review status: criteria provided, single submitter. Criteria: GeneDx Variant Classification Process June 2021. Collection method: clinical testing. Allele origin: germline.
Comment: Not observed at significant frequency in large population cohorts (gnomAD); In silico analysis supports that this missense variant has a deleterious effect on protein structure/function; Has not been previously published as pathogenic or benign to our knowledge

NM_024665.7(TBL1XR1):c.1073A>T (p.Asp358Val)

Genes: TBL1XR1 (TBL1X/Y related 1; minus strand), TBL1XR1-AS1 (TBL1XR1 antisense RNA 1; plus strand), LOC126806878 (CDK7 strongly-dependent group 2 enhancer GRCh37_chr3:176755168-176756367; plus strand). Cytogenetic location: 3q26.32.
Variant type: single nucleotide variant.
Coding change: c.1073A>T on transcript NM_024665.7 (MANE Select); coding-DNA position 1073, A replaced by T.
Protein change: p.Asp358Val; replaces aspartic acid 358 with valine.
Molecular consequence: missense variant.
Genome position (GRCh38, 1-based): chr3:177,038,147, T>A on the plus strand (A>T on the coding strand, the complement: TBL1XR1 is on the minus strand). VCF-style: chr3-177038147-T-A. GRCh37 (hg19) VCF-style: chr3-176755935-T-A.
Other names: c.1073A>T, p.Asp358Val (NM_001321193.3, NM_001321194.3, NM_001374327.1 and 2 more transcripts); c.812A>T, p.Asp271Val (NM_001321195.3, NM_001374330.1); short protein forms D271V, D358V.
Identifiers: ClinVar variation 3381462 (VCV003381462.2).
Genomic context (GRCh38, chr3:177,038,147, plus strand): 5'-AAGCAAATTACCTTTAAAGTCATGTCGTCAGAACAGGAGGCCAAGAGATTGCCAGTTGGG[T>A]CCCATTTGATAGCATTTACTTCATTCTAAAAATAATAGTAAATATTCACATTTTCATTGT-3'
Protein context (NP_078941.2, residues 348-368): HTNEVNAIKW[Asp358Val]PTGNLLASCS